The following is an entry in ClinVar:

NM_176806.4(MOCS2):c.172G>A (p.Ala58Thr)

Gene: MOCS2 (molybdenum cofactor synthesis 2; minus strand). Cytogenetic location: 5q11.2.
Variant type: single nucleotide variant.
Coding change: c.172G>A on transcript NM_176806.4 (MANE Plus Clinical); coding-DNA position 172, G replaced by A.
Protein change: p.Ala58Thr; replaces alanine 58 with threonine.
Molecular consequence: missense variant. On other transcripts: 5 prime UTR variant (1).
Genome position (GRCh38, 1-based): chr5:53,107,190, C>T on the plus strand (G>A on the coding strand, the complement: MOCS2 is on the minus strand). VCF-style: chr5-53107190-C-T. GRCh37 (hg19) VCF-style: chr5-52403020-C-T.
Other names: c.-16G>A (NM_004531.5); short protein forms A58T.
Identifiers: ClinVar variation 1034387 (VCV001034387.2), dbSNP rs1302190756, ClinGen allele CA359693894.
Genomic context (GRCh38, chr5:53,107,190, plus strand): 5'-CGTCTCCAGGCTGAAGCACGAGGAGCTGATCTCCAAGCTCGACATATTCTTGACGAACAG[C>T]AAATATTATCTGATTTCTAACATCAGCCAATCTAAAGGGGAAAAAATATGACTCAAAGTA-3'
Protein context (NP_789776.1, residues 48-68): LADVRNQIIF[Ala58Thr]VRQEYVELGD

ClinVar aggregate classification (germline): Uncertain significance. Review status: criteria provided, multiple submitters, no conflicts (2 of 4 stars). 2 submissions from 2 submitters: Uncertain significance (2). Last evaluated 2024-06-03.

Conditions:
Sulfite oxidase deficiency due to molybdenum cofactor deficiency type B1 (MOCODB1). Also called: MOLYBDENUM COFACTOR DEFICIENCY, TYPE B1; Molybdenum cofactor deficiency, complementation group B; Molybdenum cofactor deficiency B; Sulfite oxidase deficiency due to molybdenum cofactor deficiency type B. Identifiers: Orphanet 308393, Orphanet 833, MedGen C6065887, MONDO:0009644, OMIM 252160.

Allele frequency attached by ClinVar (database versions not stated): gnomAD 0.00002 and 0.00003; TOPMed 0.00003.
gnomAD v4.1: 4 of 1,613,860 alleles (0.00025%); highest among the groups gnomAD compares: African/African-American, 0.0053%; no homozygotes.

Submissions (2):

Fulgent Genetics
Classification: Uncertain significance for Sulfite oxidase deficiency due to molybdenum cofactor deficiency type B1. Last evaluated: 2024-06-03. Review status: criteria provided, single submitter. Criteria: ACMG Guidelines, 2015. Collection method: clinical testing. Allele origin: germline.

Baylor Genetics
Classification: Uncertain significance for Sulfite oxidase deficiency due to molybdenum cofactor deficiency type B1. Last evaluated: 2018-07-31. Review status: criteria provided, single submitter. Criteria: ACMG Guidelines, 2015. Collection method: clinical testing. Allele origin: maternal. Affected: yes.
Comment: This variant was determined to be of uncertain significance according to ACMG Guidelines, 2015 [PMID:25741868].